The following is an entry in ClinVar:

ClinVar aggregate classification (germline): Uncertain significance (1 of 4 stars; one submission).

Conditions:
Congenital sensory neuropathy with selective loss of small myelinated fibers (HSAN5). Also called: HSAN Type V. Identifiers: Orphanet 64752, MedGen C0020075, MONDO:0012092, OMIM 608654.

Submission:

Labcorp Genetics (formerly Invitae), Labcorp
Classification: Uncertain significance for Congenital sensory neuropathy with selective loss of small myelinated fibers. Last evaluated: 2022-08-16. Review status: criteria provided, single submitter. Criteria: Invitae Variant Classification Sherloc (09022015). Collection method: clinical testing. Allele origin: germline.
Comment: This variant is not present in population databases (gnomAD no frequency). Algorithms developed to predict the effect of missense changes on protein structure and function are either unavailable or do not agree on the potential impact of this missense change (SIFT: "Tolerated"; PolyPhen-2: "Probably Damaging"; Align-GVGD: "Class C0"). ClinVar contains an entry for this variant (Variation ID: 1476087). This variant has not been reported in the literature in individuals affected with NGF-related conditions. This sequence change replaces proline, which is neutral and non-polar, with serine, which is neutral and polar, at codon 85 of the NGF protein (p.Pro85Ser). In summary, the available evidence is currently insufficient to determine the role of this variant in disease. Therefore, it has been classified as a Variant of Uncertain Significance.

NM_002506.3(NGF):c.253C>T (p.Pro85Ser)

Genes: NGF (nerve growth factor; minus strand), NGF-AS1 (NGF antisense RNA 1; plus strand). Cytogenetic location: 1p13.2.
Variant type: single nucleotide variant.
Coding change: c.253C>T on transcript NM_002506.3 (MANE Select); coding-DNA position 253, C replaced by T.
Protein change: p.Pro85Ser; replaces proline 85 with serine.
Molecular consequence: missense variant.
Genome position (GRCh38, 1-based): chr1:115,286,543, G>A on the plus strand (C>T on the coding strand, the complement: NGF is on the minus strand). VCF-style: chr1-115286543-G-A. GRCh37 (hg19) VCF-style: chr1-115829164-G-A.
Other names: short protein forms P85S.
Identifiers: ClinVar variation 1476087 (VCV001476087.8), dbSNP rs2101019098, ClinGen allele CA341836946.
Genomic context (GRCh38, chr1:115,286,543, plus strand): 5'-AGTCCAGATCCTGAGTGTCTGCAGCTTCACGGGGAGGCTGGGTGCTAAACAGCACACGGG[G>A]TGAACGGAGTCGCCGCTTTTTAAACAGCCTGGGGTCCACAGTAATGTTGCGGGTCTGCCC-3'
Protein context (NP_002497.2, residues 75-95): RLFKKRRLRS[Pro85Ser]RVLFSTQPPR